The following is an entry in ClinVar:

NM_005412.6(SHMT2):c.469C>T (p.Pro157Ser)

Gene: SHMT2 (serine hydroxymethyltransferase 2; plus strand). Cytogenetic location: 12q13.3.
Variant type: single nucleotide variant.
Coding change: c.469C>T on transcript NM_005412.6 (MANE Select); coding-DNA position 469, C replaced by T.
Protein change: p.Pro157Ser; replaces proline 157 with serine.
Molecular consequence: missense variant. On other transcripts: non-coding transcript variant (4).
Genome position (GRCh38, 1-based): chr12:57,231,870, C>T. VCF-style: chr12-57231870-C-T. GRCh37 (hg19) VCF-style: chr12-57625653-C-T.
Other names: c.469C>T, p.Pro157Ser (NM_001166356.2); c.406C>T, p.Pro136Ser (NM_001166357.1, NM_001166358.2, NM_001166359.1); short protein forms P157S, P136S.
Identifiers: ClinVar variation 988636 (VCV000988636.1), dbSNP rs1426413125, ClinGen allele CA385472386.
Genomic context (GRCh38, chr12:57,231,870, plus strand): 5'-AATGTCCAGCCCTACTCCGGGTCCCCAGCCAACCTGGCCGTCTACACAGCCCTTCTGCAA[C>T]CTCACGACCGGATCATGGGGCTGGACCTGCCCGATGGGGGCCAGTGAGTATGGATGGGCT-3'
Protein context (NP_005403.2, residues 147-167): NLAVYTALLQ[Pro157Ser]HDRIMGLDLP

ClinVar aggregate classification (germline): no classifications from unflagged records (0 of 4 stars; one submission).

Conditions:
Neurodevelopmental disorder with cardiomyopathy, spasticity, and brain abnormalities. Identifiers: MedGen C5436848, MONDO:0030866, OMIM 619121.

Allele frequency attached by ClinVar (database versions not stated): TOPMed below 0.00001; gnomAD exomes below 0.00001.

Submission:

OMIM
Classification: Pathogenic for NEURODEVELOPMENTAL DISORDER WITH CARDIOMYOPATHY, SPASTICITY, AND BRAIN ABNORMALITIES. Last evaluated: 2020-12-11. Review status: flagged submission. Collection method: literature only. Allele origin: germline.
ClinVar note: Notes: Flagging candidate with reason of insufficient supporting evidence. This gene has been classified as having a limited gene-disease relationship by a ClinGen Expert Panel.
ClinVar note: Reason: P/LP classification for a variant in a gene with insufficient evidence for a gene-disease relationship

Literature cited by the submitters: PubMed 33015733.